The following is an entry in ClinVar:

NM_145038.5(DRC1):c.1553del (p.Leu518fs)

Gene: DRC1 (dynein regulatory complex subunit 1; plus strand). Cytogenetic location: 2p23.3.
Variant type: Deletion.
Coding change: c.1553del on transcript NM_145038.5 (MANE Select); coding-DNA position 1553, one base deleted (T; older notation c.1553delT).
Protein change: p.Leu518fs; shifts the reading frame from leucine 518.
Molecular consequence: frameshift variant.
Genome position (GRCh38, 1-based): chr2:26,450,039, T deleted. VCF-style (leftmost placement, unchanged base first): chr2-26450038-CT-C. GRCh37 (hg19) VCF-style: chr2-26672906-CT-C.
Other names: short protein forms L518fs.
Identifiers: ClinVar variation 3606093 (VCV003606093.2).

ClinVar aggregate classification (germline): Pathogenic (1 of 4 stars; one submission).

Conditions:
Primary ciliary dyskinesia. Also called: Ciliary dyskinesia. Identifiers: Orphanet 244, MedGen C0008780, MONDO:0016575, HP:0012265.

Submission:

Labcorp Genetics (formerly Invitae), Labcorp
Classification: Pathogenic for Primary ciliary dyskinesia. Last evaluated: 2024-03-12. Review status: criteria provided, single submitter. Criteria: Invitae Variant Classification Sherloc (09022015). Collection method: clinical testing. Allele origin: germline.
Comment: This sequence change creates a premature translational stop signal (p.Leu518Argfs*9) in the DRC1 gene. It is expected to result in an absent or disrupted protein product. Loss-of-function variants in DRC1 are known to be pathogenic (PMID: 23354437, 31960620). This variant is not present in population databases (gnomAD no frequency). This variant has not been reported in the literature in individuals affected with DRC1-related conditions. For these reasons, this variant has been classified as Pathogenic.

Literature cited by the submitters: PubMed 23354437; PubMed 31960620.